The following is an entry in ClinVar:

NM_147127.5(EVC2):c.109C>T (p.Pro37Ser)

Gene: EVC2 (EvC ciliary complex subunit 2; minus strand). Cytogenetic location: 4p16.2.
Variant type: single nucleotide variant.
Coding change: c.109C>T on transcript NM_147127.5 (MANE Select); coding-DNA position 109, C replaced by T.
Protein change: p.Pro37Ser; replaces proline 37 with serine.
Molecular consequence: missense variant. On other transcripts: intron variant (1).
Genome position (GRCh38, 1-based): chr4:5,708,405, G>A on the plus strand (C>T on the coding strand, the complement: EVC2 is on the minus strand). VCF-style: chr4-5708405-G-A. GRCh37 (hg19) VCF-style: chr4-5710132-G-A.
Other names: c.-13+424C>T (NM_001166136.2); short protein forms P37S.
Identifiers: ClinVar variation 1377848 (VCV001377848.7), dbSNP rs769781725, ClinGen allele CA2835555.

ClinVar aggregate classification (germline): Uncertain significance. Review status: criteria provided, multiple submitters, no conflicts (2 of 4 stars). 3 submissions from 3 submitters: Uncertain significance (3). Last evaluated 2023-10-31.

Conditions:
Ellis-van Creveld syndrome (EVC). Also called: Chondroectodermal dysplasia; EVC-Related Ellis-van Creveld Syndrome; EVC2-Related Ellis-van Creveld Syndrome; MESOECTODERMAL DYSPLASIA. Identifiers: Orphanet 289, MedGen C0013903, MONDO:0009162, OMIM 225500.
Curry-Hall syndrome (WAD). Also called: WEYERS ACRODENTAL DYSOSTOSIS. Identifiers: Orphanet 952, MedGen C0457013, MONDO:0008673, OMIM 193530.

Allele frequency attached by ClinVar (database versions not stated): gnomAD 0.00001 and 0.00003; gnomAD exomes 0.00003 and 0.00008; ExAC 0.00036.
gnomAD v4.1: 44 of 1,501,882 alleles (0.0029%); highest among the groups gnomAD compares: South Asian, 0.047%; no homozygotes.

Submissions (3):

Revvity Omics, Revvity
Classification: Uncertain significance. Last evaluated: 2023-10-31. Review status: criteria provided, single submitter. Criteria: ACMG Guidelines, 2015. Collection method: clinical testing. Allele origin: germline.

Labcorp Genetics (formerly Invitae), Labcorp
Classification: Uncertain significance for Curry-Hall syndrome; Ellis-van Creveld syndrome. Last evaluated: 2022-09-01. Review status: criteria provided, single submitter. Criteria: Invitae Variant Classification Sherloc (09022015). Collection method: clinical testing. Allele origin: germline.
Comment: This sequence change replaces proline, which is neutral and non-polar, with serine, which is neutral and polar, at codon 37 of the EVC2 protein (p.Pro37Ser). This variant is present in population databases (rs769781725, gnomAD 0.04%). This variant has not been reported in the literature in individuals affected with EVC2-related conditions. ClinVar contains an entry for this variant (Variation ID: 1377848). Algorithms developed to predict the effect of missense changes on protein structure and function (SIFT, PolyPhen-2, Align-GVGD) all suggest that this variant is likely to be tolerated. In summary, the available evidence is currently insufficient to determine the role of this variant in disease. Therefore, it has been classified as a Variant of Uncertain Significance.

Fulgent Genetics
Classification: Uncertain significance for Curry-Hall syndrome; Ellis-van Creveld syndrome. Last evaluated: 2021-07-04. Review status: criteria provided, single submitter. Criteria: ACMG Guidelines, 2015. Collection method: clinical testing. Allele origin: unknown.